The following is an entry in ClinVar:

ClinVar aggregate classification (germline): Uncertain significance (1 of 4 stars; one submission).

Conditions:
Hereditary cancer-predisposing syndrome. Also called: Tumor predisposition; Neoplastic Syndromes, Hereditary; Hereditary Cancer Syndrome; Hereditary neoplastic syndrome. Identifiers: Orphanet 140162, MedGen C0027672, MeSH D009386, MONDO:0015356.

Submission:

Ambry Genetics
Classification: Uncertain significance for Hereditary cancer-predisposing syndrome. Last evaluated: 2024-10-29. Review status: criteria provided, single submitter. Criteria: Ambry Variant Classification Scheme 2023. Collection method: clinical testing. Allele origin: germline.
Comment: The c.7delC variant, located in coding exon 1 of the FH gene, results from a deletion of one nucleotide at nucleotide position 7, causing a translational frameshift with a predicted alternate stop codon (p.R3Efs*20). The predicted stop codon occurs in the 5&rsquo; end of theFH gene, and there is a second in-frame methionine at p.M44. Proteins initiated from the first methionine are targeted to the mitochondrion while proteins initiated from the second methionine are targeted to the cytoplasm due to the lack of the mitochondrial targeting sequence encoded between them (Dik E et al. Traffic. 2016 Jul;17:720-32; Magrane M et al. Database (Oxford) 2011). Data suggest that it is the cytoplasmic protein that conveys the tumor suppressor function of FH (Yogev O et al. PLoS Biol. 2010 Mar;8:e1000328). This alteration and others that are expected to adversely affect the protein before the second methionine, have been observed in numerous individuals who do not have a personal or family history that is consistent with or suggestive of HLRCC (Ambry internal data). The clinical impact of this variant in terms of autosomal recessive Fumarase Deficiency is also unclear due to the lack of this variant being associated with this autosomal recessive disease in the literature and internally. Based on the available evidence, the clinical significance of this variant remains unclear.

NM_000143.4(FH):c.7del (p.Arg3fs)

Gene: FH (fumarate hydratase; minus strand). Cytogenetic location: 1q43.
Variant type: Deletion.
Coding change: c.7del on transcript NM_000143.4 (MANE Select); coding-DNA position 7, one base deleted (C; older notation c.7delC).
Protein change: p.Arg3fs; shifts the reading frame from arginine 3.
Molecular consequence: frameshift variant.
Genome position (GRCh38, 1-based): chr1:241,519,716, G deleted on the plus strand (C on the coding strand, the reverse complement: FH is on the minus strand); the first of 2 consecutive G bases (chr1:241,519,716-241,519,717); deleting either gives the same sequence. VCF-style (leftmost placement, unchanged base first): chr1-241519715-CG-C. GRCh37 (hg19) VCF-style: chr1-241683015-CG-C.
Other names: c.7delC (NM_000143.3); short protein forms R3fs.
Identifiers: ClinVar variation 3515072 (VCV003515072.1).